The following is an entry in ClinVar:

ClinVar aggregate classification (germline): Uncertain significance. Review status: criteria provided, multiple submitters, no conflicts (2 of 4 stars). 2 submissions from 2 submitters: Uncertain significance (2). Last evaluated 2024-05-09.

Conditions:
Inborn genetic diseases. Identifiers: MedGen C0950123, MeSH D030342.

Allele frequency attached by ClinVar (database versions not stated): gnomAD exomes below 0.00001; TOPMed 0.00001.
gnomAD v4.1: 5 of 1,614,014 alleles (0.00031%); highest among the groups gnomAD compares: Non-Finnish European, 0.00042%; no homozygotes.

Submissions (2):

Ambry Genetics
Classification: Uncertain significance for Inborn genetic diseases. Last evaluated: 2024-05-09. Review status: criteria provided, single submitter. Criteria: Ambry Variant Classification Scheme 2023. Collection method: clinical testing. Allele origin: germline.

Labcorp Genetics (formerly Invitae), Labcorp
Classification: Uncertain significance. Last evaluated: 2022-07-12. Review status: criteria provided, single submitter. Criteria: Invitae Variant Classification Sherloc (09022015). Collection method: clinical testing. Allele origin: germline.
Comment: In summary, the available evidence is currently insufficient to determine the role of this variant in disease. Therefore, it has been classified as a Variant of Uncertain Significance. Advanced modeling of protein sequence and biophysical properties (such as structural, functional, and spatial information, amino acid conservation, physicochemical variation, residue mobility, and thermodynamic stability) performed at Invitae indicates that this missense variant is expected to disrupt ABCC6 protein function. ClinVar contains an entry for this variant (Variation ID: 1518222). This variant has not been reported in the literature in individuals affected with ABCC6-related conditions. This variant is present in population databases (no rsID available, gnomAD 0.0009%). This sequence change replaces leucine, which is neutral and non-polar, with proline, which is neutral and non-polar, at codon 676 of the ABCC6 protein (p.Leu676Pro).

NM_001171.6(ABCC6):c.2027T>C (p.Leu676Pro)

Gene: ABCC6 (ATP binding cassette subfamily C member 6; minus strand). Cytogenetic location: 16p13.11.
Variant type: single nucleotide variant.
Coding change: c.2027T>C on transcript NM_001171.6 (MANE Select); coding-DNA position 2027, T replaced by C.
Protein change: p.Leu676Pro; replaces leucine 676 with proline.
Molecular consequence: missense variant. On other transcripts: non-coding transcript variant (1).
Genome position (GRCh38, 1-based): chr16:16,182,847, A>G on the plus strand (T>C on the coding strand, the complement: ABCC6 is on the minus strand). VCF-style: chr16-16182847-A-G. GRCh37 (hg19) VCF-style: chr16-16276704-A-G.
Other names: c.1685T>C, p.Leu562Pro (NM_001351800.1); c.2027T>C (NM_001171.5); short protein forms L676P, L562P.
Identifiers: ClinVar variation 1518222 (VCV001518222.7), dbSNP rs1172625798, ClinGen allele CA394888690.